The following is an entry in ClinVar:

ClinVar aggregate classification (germline): Benign. Review status: criteria provided, single submitter (1 of 4 stars). 2 submissions from 1 submitter: Benign (2). Last evaluated 2018-01-13.

Conditions:
Nephropathic cystinosis (CTNS). Also called: CYSTINOSIN, DEFECT OF; LYSOSOMAL CYSTINE TRANSPORT PROTEIN, DEFECT OF; Abderhalden Lignac Kaufmann disease; Abderhalden-Kaufmann-Lignac syndrome. Identifiers: Orphanet 213, Orphanet 411629, MedGen C2931187, MONDO:0100151, OMIM 219800.
Ocular cystinosis. Also called: Non-Nephropathic (Ocular) Cystinosis; Non-Nephropathic Cystinosis. Identifiers: Orphanet 213, Orphanet 411641, MedGen C2931013, MONDO:0009064, OMIM 219750.

Allele frequency attached by ClinVar (database versions not stated): 1000 Genomes Project 30x 0.63304; 1000 Genomes Project 0.63838; TOPMed 0.69648; gnomAD 0.71652 and 0.71914.
gnomAD v4.1: 109,613 of 152,138 alleles (72%); highest among the groups gnomAD compares: Non-Finnish European, 87%; 42,188 homozygotes.

Submissions (2):

Illumina Laboratory Services, Illumina
Classification: Benign for Nephropathic cystinosis. Last evaluated: 2018-01-13. Review status: criteria provided, single submitter. Criteria: ICSL Variant Classification Criteria 13 December 2019. Collection method: clinical testing. Allele origin: germline.
Comment: This variant was observed in the ICSL laboratory as part of a predisposition screen in an ostensibly healthy population. It had not been previously curated by ICSL or reported in the Human Gene Mutation Database (HGMD: prior to June 1st, 2018), and was therefore a candidate for classification through an automated scoring system. Utilizing variant allele frequency, disease prevalence and penetrance estimates, and inheritance mode, an automated score was calculated to assess if this variant is too frequent to cause the disease. Based on the score and internal cut-off values, a variant classified as benign is not then subjected to further curation. The score for this variant resulted in a classification of benign for this disease.

Illumina Laboratory Services, Illumina
Classification: Benign for Ocular cystinosis. Last evaluated: 2018-01-13. Review status: criteria provided, single submitter. Criteria: ICSL Variant Classification Criteria 13 December 2019. Collection method: clinical testing. Allele origin: germline.
Comment: the same text as in the submission from Illumina Laboratory Services, Illumina above.

NM_004937.3(CTNS):c.*2306T>C

Gene: CTNS (cystinosin, lysosomal cystine transporter; plus strand). Cytogenetic location: 17p13.2.
Variant type: single nucleotide variant.
Coding change: c.*2306T>C on transcript NM_004937.3 (MANE Select); 2306 bases downstream of the stop codon, T replaced by C.
Molecular consequence: 3 prime UTR variant.
Genome position (GRCh38, 1-based): chr17:3,662,675, T>C. VCF-style: chr17-3662675-T-C. GRCh37 (hg19) VCF-style: chr17-3565969-T-C.
Other names: c.*1941T>C (NM_001031681.3, NM_001374492.1); c.*2306T>C (NM_001374493.1, NM_001374494.1, NM_001374495.1 and 1 more transcripts).
Identifiers: ClinVar variation 322913 (VCV000322913.5), dbSNP rs161397, ClinGen allele CA10639495.